The following is an entry in ClinVar:

NM_002334.4(LRP4):c.4385G>A (p.Arg1462His)

Genes: LRP4-AS1 (LRP4 antisense RNA 1; plus strand), LRP4 (LDL receptor related protein 4; minus strand). Cytogenetic location: 11p11.2.
Variant type: single nucleotide variant.
Coding change: c.4385G>A on transcript NM_002334.4 (MANE Select); coding-DNA position 4385, G replaced by A.
Protein change: p.Arg1462His; replaces arginine 1462 with histidine.
Molecular consequence: missense variant. On other transcripts: non-coding transcript variant (1).
Genome position (GRCh38, 1-based): chr11:46,873,438, C>T on the plus strand (G>A on the coding strand, the complement: LRP4 is on the minus strand). VCF-style: chr11-46873438-C-T. GRCh37 (hg19) VCF-style: chr11-46894989-C-T.
Other names: c.4385G>A (NM_002334.3); short protein forms R1462H.
Identifiers: ClinVar variation 1063885 (VCV001063885.11), dbSNP rs777932389, ClinGen allele CA5969348.

ClinVar aggregate classification (germline): Uncertain significance. Review status: criteria provided, multiple submitters, no conflicts (2 of 4 stars). 4 submissions from 4 submitters: Uncertain significance (4). Last evaluated 2025-08-06.

Conditions:
Sclerosteosis 2 (SOST2). Identifiers: Orphanet 3152, MedGen C3280402, MONDO:0013679, OMIM 614305.
Cenani-Lenz syndactyly syndrome. Also called: CENANI SYNDACTYLISM; SYNDACTYLY, TYPE VII. Identifiers: Orphanet 3258, MedGen C1859309, MONDO:0008931, OMIM 212780.
Congenital myasthenic syndrome 17. Identifiers: Orphanet 590, MedGen C4225377, MONDO:0014578, OMIM 616304.
Inborn genetic diseases. Identifiers: MedGen C0950123, MeSH D030342.

Allele frequency attached by ClinVar (database versions not stated): gnomAD 0.00001; ExAC 0.00002; gnomAD exomes 0.00002; TOPMed 0.00002.
gnomAD v4.1: 22 of 1,614,048 alleles (0.0014%); highest among the groups gnomAD compares: East Asian, 0.018%; no homozygotes.

Submissions (4):

Ambry Genetics
Classification: Uncertain significance for Inborn genetic diseases. Last evaluated: 2025-08-06. Review status: criteria provided, single submitter. Criteria: Ambry Variant Classification Scheme 2023. Collection method: clinical testing. Allele origin: germline.

Revvity Omics, Revvity
Classification: Uncertain significance. Last evaluated: 2024-08-19. Review status: criteria provided, single submitter. Criteria: ACMG Guidelines, 2015. Collection method: clinical testing. Allele origin: germline.

Labcorp Genetics (formerly Invitae), Labcorp
Classification: Uncertain significance for Cenani-Lenz syndactyly syndrome; Sclerosteosis 2; Congenital myasthenic syndrome 17. Last evaluated: 2024-02-20. Review status: criteria provided, single submitter. Criteria: Invitae Variant Classification Sherloc (09022015). Collection method: clinical testing. Allele origin: germline.
Comment: This sequence change replaces arginine, which is basic and polar, with histidine, which is basic and polar, at codon 1462 of the LRP4 protein (p.Arg1462His). This variant is present in population databases (rs777932389, gnomAD 0.02%). This variant has not been reported in the literature in individuals affected with LRP4-related conditions. ClinVar contains an entry for this variant (Variation ID: 1063885). Advanced modeling of protein sequence and biophysical properties (such as structural, functional, and spatial information, amino acid conservation, physicochemical variation, residue mobility, and thermodynamic stability) performed at Invitae indicates that this missense variant is not expected to disrupt LRP4 protein function with a negative predictive value of 80%. In summary, the available evidence is currently insufficient to determine the role of this variant in disease. Therefore, it has been classified as a Variant of Uncertain Significance.

Fulgent Genetics
Classification: Uncertain significance for Cenani-Lenz syndactyly syndrome; Sclerosteosis 2; Congenital myasthenic syndrome 17. Last evaluated: 2022-03-18. Review status: criteria provided, single submitter. Criteria: ACMG Guidelines, 2015. Collection method: clinical testing. Allele origin: unknown.